The following is an entry in ClinVar:

NM_001085372.3(UQCC3):c.142A>G (p.Arg48Gly)

Genes: LBHD1 (LBH domain containing 1; minus strand), UQCC3 (ubiquinol-cytochrome c reductase complex assembly factor 3; plus strand). Cytogenetic location: 11q12.3.
Variant type: single nucleotide variant.
Coding change: c.142A>G on transcript NM_001085372.3 (MANE Select); coding-DNA position 142, A replaced by G.
Protein change: p.Arg48Gly; replaces arginine 48 with glycine.
Molecular consequence: missense variant. On other transcripts: 5 prime UTR variant (12).
Genome position (GRCh38, 1-based): chr11:62,671,974, A>G. VCF-style: chr11-62671974-A-G. GRCh37 (hg19) VCF-style: chr11-62439446-A-G.
Other names: c.-421T>C (NM_001367940.2, NM_024099.5); c.-938T>C (NM_001367941.2); c.-227T>C (NM_001394596.1, NM_001394599.1, NM_001394601.1 and 1 more transcripts); c.-469T>C (NM_001394604.1, NM_001394607.1); c.-614T>C (NM_001394609.1); c.-545T>C (NM_001394611.1); c.-869T>C (NM_001394612.1); short protein forms R48G.
Identifiers: ClinVar variation 1944225 (VCV001944225.5), dbSNP rs2539118414, ClinGen allele CA380913194.
Genomic context (GRCh38, chr11:62,671,974, plus strand): 5'-CGGACTGGAGCTCCTGCGAACTCCCCTTCCTGCCCTCAGGAGATGCCACTGCAGGACCCA[A>G]GGAGCAGGGAGGAGGCGGCCAGGACCCAGCAGCTATTGCTGGCCACTCTGCAGGAGGCAG-3'
Protein context (NP_001078841.1, residues 38-58): MLKEMPLQDP[Arg48Gly]SREEAARTQQ

ClinVar aggregate classification (germline): Uncertain significance (1 of 4 stars; one submission).

Submission:

Labcorp Genetics (formerly Invitae), Labcorp
Classification: Uncertain significance. Last evaluated: 2023-07-17. Review status: criteria provided, single submitter. Criteria: Invitae Variant Classification Sherloc (09022015). Collection method: clinical testing. Allele origin: germline.
Comment: This variant has not been reported in the literature in individuals affected with UQCC3-related conditions. This variant is not present in population databases (gnomAD no frequency). This sequence change replaces arginine, which is basic and polar, with glycine, which is neutral and non-polar, at codon 48 of the UQCC3 protein (p.Arg48Gly). ClinVar contains an entry for this variant (Variation ID: 1944225). In summary, the available evidence is currently insufficient to determine the role of this variant in disease. Therefore, it has been classified as a Variant of Uncertain Significance. An algorithm developed to predict the effect of missense changes on protein structure and function (PolyPhen-2) suggests that this variant is likely to be tolerated.